The following is an entry in ClinVar:

ClinVar aggregate classification (germline): Likely pathogenic. Review status: criteria provided, multiple submitters, no conflicts (2 of 4 stars). 2 submissions from 2 submitters: Likely pathogenic (2). Last evaluated 2021-11-26.

Conditions:
Finnish congenital nephrotic syndrome (NPHS1). Also called: NEPHROTIC SYNDROME, TYPE 1. Identifiers: Orphanet 839, MedGen C0403399, MONDO:0009732, OMIM 256300.

Submissions (2):

Baylor Genetics
Classification: Likely pathogenic for Finnish congenital nephrotic syndrome. Last evaluated: 2021-11-26. Review status: criteria provided, single submitter. Criteria: ACMG Guidelines, 2015. Collection method: clinical testing. Allele origin: unknown.

Labcorp Genetics (formerly Invitae), Labcorp
Classification: Likely pathogenic. Last evaluated: 2020-01-23. Review status: criteria provided, single submitter. Criteria: Invitae Variant Classification Sherloc (09022015). Collection method: clinical testing. Allele origin: germline.
Comment: Donor and acceptor splice site variants typically lead to a loss of protein function (PMID: 16199547), and loss-of-function variants in NPHS1 are known to be pathogenic (PMID: 11317351, 11854170, 12039988). Algorithms developed to predict the effect of sequence changes on RNA splicing suggest that this variant may disrupt the consensus splice site, but this prediction has not been confirmed by published transcriptional studies. This variant has not been reported in the literature in individuals with NPHS1-related conditions. This variant is not present in population databases (ExAC no frequency). This sequence change affects an acceptor splice site in intron 6 of the NPHS1 gene. It is expected to disrupt RNA splicing and likely results in an absent or disrupted protein product. In summary, the currently available evidence indicates that the variant is pathogenic, but additional data are needed to prove that conclusively. Therefore, this variant has been classified as Likely Pathogenic.

Literature cited by the submitters: PubMed 16199547 (cited by Labcorp Genetics (formerly Invitae), Labcorp); PubMed 11317351 (cited by Labcorp Genetics (formerly Invitae), Labcorp); PubMed 11854170 (cited by Labcorp Genetics (formerly Invitae), Labcorp); PubMed 12039988 (cited by Labcorp Genetics (formerly Invitae), Labcorp).

NM_004646.4(NPHS1):c.713-2A>T

Gene: NPHS1 (NPHS1 adhesion molecule, nephrin; minus strand). Cytogenetic location: 19q13.12.
Variant type: single nucleotide variant.
Coding change: c.713-2A>T on transcript NM_004646.4 (MANE Select); the canonical splice acceptor site of the intron before coding-DNA position 713, A replaced by T.
Molecular consequence: splice acceptor variant.
Genome position (GRCh38, 1-based): chr19:35,849,365, T>A on the plus strand (A>T on the coding strand, the complement: NPHS1 is on the minus strand). VCF-style: chr19-35849365-T-A. GRCh37 (hg19) VCF-style: chr19-36340267-T-A.
Identifiers: ClinVar variation 1066313 (VCV001066313.9), dbSNP rs2146828046, ClinGen allele CA405407418.